The following is an entry in ClinVar:

ClinVar aggregate classification (germline): Conflicting classifications of pathogenicity. Review status: criteria provided, conflicting classifications (1 of 4 stars). 4 submissions from 4 submitters: Uncertain significance (1); Benign (1); Likely benign (1). 1 of the submissions does not count toward it. Last evaluated 2025-05-09.

Conditions:
TTN-related disorder. Also called: TTN-related condition; TTN-related disease; TTN-related disorders.
Cardiovascular phenotype. Identifiers: MedGen CN230736.

Allele frequency attached by ClinVar (database versions not stated): gnomAD 0.00001; gnomAD exomes 0.00001; TOPMed 0.00001; ExAC 0.00002.
gnomAD v4.1: 17 of 1,613,748 alleles (0.0011%); highest among the groups gnomAD compares: Non-Finnish European, 0.0014%; no homozygotes.

Submissions (4):

Ambry Genetics
Classification: Benign for Cardiovascular phenotype. Last evaluated: 2025-05-09. Review status: criteria provided, single submitter. Criteria: Ambry Variant Classification Scheme 2023. Collection method: clinical testing. Allele origin: germline.

Mayo Clinic Laboratories, Mayo Clinic
Classification: Likely benign. Last evaluated: 2025-01-22. Review status: criteria provided, single submitter. Criteria: ACMG Guidelines, 2015. Collection method: clinical testing. Allele origin: germline. Observed: 1 variant allele.
Comment: BP1, BP4_moderate

GeneDx
Classification: Uncertain significance. Last evaluated: 2024-04-19. Review status: criteria provided, single submitter. Criteria: GeneDx Variant Classification Process June 2021. Collection method: clinical testing. Allele origin: germline. Affected: yes.
Comment: Not observed at significant frequency in large population cohorts (gnomAD); Missense variant in a gene in which most reported pathogenic variants are truncating/loss of function; Has not been previously published as pathogenic or benign to our knowledge

PreventionGenetics, part of Exact Sciences
Classification: Uncertain significance for TTN-related condition. Last evaluated: 2024-05-16. Review status: no assertion criteria provided. Collection method: clinical testing. Allele origin: germline. Not counted in ClinVar's aggregate classification.
Comment: The TTN c.95042G>A variant is predicted to result in the amino acid substitution p.Ser31681Asn. To our knowledge, this variant has not been reported in the literature. This variant is reported in 0.0031% of alleles in individuals of European (Non-Finnish) descent in gnomAD. At this time, the clinical significance of this variant is uncertain due to the absence of conclusive functional and genetic evidence.

NM_001267550.2(TTN):c.95042G>A (p.Ser31681Asn)

Genes: TTN (titin; minus strand), TTN-AS1 (TTN antisense RNA 1; plus strand). Cytogenetic location: 2q31.2.
Variant type: single nucleotide variant.
Coding change: c.95042G>A on transcript NM_001267550.2 (MANE Select); coding-DNA position 95042, G replaced by A.
Protein change: p.Ser31681Asn; replaces serine 31681 with asparagine.
Molecular consequence: missense variant.
Genome position (GRCh38, 1-based): chr2:178,546,289, C>T on the plus strand (G>A on the coding strand, the complement: TTN is on the minus strand). VCF-style: chr2-178546289-C-T. GRCh37 (hg19) VCF-style: chr2-179411016-C-T.
Other names: p.Ser30040Asn; c.90119G>A, p.Ser30040Asn (NM_001256850.1); c.67847G>A, p.Ser22616Asn (NM_003319.4); c.87338G>A, p.Ser29113Asn (NM_133378.4); c.68222G>A, p.Ser22741Asn (NM_133432.3); c.68423G>A, p.Ser22808Asn (NM_133437.4); short protein forms S22741N, S22808N, S31681N, S29113N, S30040N, S22616N.
Identifiers: ClinVar variation 1755407 (VCV001755407.6), dbSNP rs780124773, ClinGen allele CA1987027.